The following is an entry in ClinVar:

ClinVar aggregate classification (germline): Uncertain significance (1 of 4 stars; one submission).

Conditions:
Fanconi anemia (FA). Also called: Fanconi's anemia. Identifiers: Orphanet 84, MedGen C0015625, MeSH D005199, MONDO:0019391.

Submission:

Labcorp Genetics (formerly Invitae), Labcorp
Classification: Uncertain significance for Fanconi anemia. Last evaluated: 2022-07-25. Review status: criteria provided, single submitter. Criteria: Invitae Variant Classification Sherloc (09022015). Collection method: clinical testing. Allele origin: germline.
Comment: In summary, the available evidence is currently insufficient to determine the role of this variant in disease. Therefore, it has been classified as a Variant of Uncertain Significance. Experimental studies and prediction algorithms are not available or were not evaluated, and the functional significance of this variant is currently unknown. This variant has not been reported in the literature in individuals affected with FANCM-related conditions. This variant is a gross deletion of the genomic region encompassing exon(s) 10 of the FANCM gene. This variant would be expected to be in-frame, preserving the integrity of the reading frame.

NC_000014.9:g.(?_45164349)_(45164575_?)del

Gene: FANCM (FA complementation group M; plus strand). Cytogenetic location: 14q21.2.
Variant type: Deletion.
Identifiers: ClinVar variation 832453 (VCV000832453.7).